The following is an entry in ClinVar:

ClinVar aggregate classification (germline): Uncertain significance. Review status: criteria provided, multiple submitters, no conflicts (2 of 4 stars). 2 submissions from 2 submitters: Uncertain significance (2). Last evaluated 2025-04-27.

Conditions:
Multiple endocrine neoplasia, type 2 (MEN2). Identifiers: Orphanet 653, MedGen C4048306, MONDO:0019003. Disease mechanism: gain of function.
Hereditary cancer-predisposing syndrome. Also called: Neoplastic Syndromes, Hereditary; Tumor predisposition; Hereditary Cancer Syndrome; Hereditary neoplastic syndrome. Identifiers: Orphanet 140162, MedGen C0027672, MeSH D009386, MONDO:0015356.

Submissions (2):

Labcorp Genetics (formerly Invitae), Labcorp
Classification: Uncertain significance for Multiple endocrine neoplasia, type 2. Last evaluated: 2025-04-27. Review status: criteria provided, single submitter. Criteria: Invitae Variant Classification Sherloc (09022015). Collection method: clinical testing. Allele origin: germline.
Comment: This sequence change replaces serine, which is neutral and polar, with arginine, which is basic and polar, at codon 201 of the RET protein (p.Ser201Arg). This variant is not present in population databases (gnomAD no frequency). This variant has not been reported in the literature in individuals affected with RET-related conditions. ClinVar contains an entry for this variant (Variation ID: 3432232). An algorithm developed to predict the effect of missense changes on protein structure and function (PolyPhen-2) suggests that this variant is likely to be disruptive. In summary, the available evidence is currently insufficient to determine the role of this variant in disease. Therefore, it has been classified as a Variant of Uncertain Significance.

Ambry Genetics
Classification: Uncertain significance for Hereditary cancer-predisposing syndrome. Last evaluated: 2024-07-07. Review status: criteria provided, single submitter. Criteria: Ambry Variant Classification Scheme 2023. Collection method: clinical testing. Allele origin: germline.
Comment: The p.S201R variant (also known as c.601A>C), located in coding exon 3 of the RET gene, results from an A to C substitution at nucleotide position 601. The serine at codon 201 is replaced by arginine, an amino acid with dissimilar properties. This amino acid position is conserved. In addition, the in silico prediction for this alteration is inconclusive. Based on the available evidence, the clinical significance of this variant remains unclear.

NM_020975.6(RET):c.601A>C (p.Ser201Arg)

Gene: RET (ret proto-oncogene; plus strand). Cytogenetic location: 10q11.21.
Variant type: single nucleotide variant.
Coding change: c.601A>C on transcript NM_020975.6 (MANE Select); coding-DNA position 601, A replaced by C.
Protein change: p.Ser201Arg; replaces serine 201 with arginine.
Molecular consequence: missense variant. On other transcripts: intron variant (15).
Genome position (GRCh38, 1-based): chr10:43,102,605, A>C. VCF-style: chr10-43102605-A-C. GRCh37 (hg19) VCF-style: chr10-43598053-A-C.
Other names: c.601A>C, p.Ser201Arg (NM_001406743.1, NM_001406744.1, NM_001406759.1 and 14 more transcripts); c.472A>C, p.Ser158Arg (NM_001406761.1, NM_001406762.1, NM_001406764.1 and 4 more transcripts); c.337+1883A>C (NM_001406770.1, NM_001406766.1, NM_001406767.1 and 8 more transcripts); c.74-6426A>C (NM_001406784.1); c.74-9494A>C (NM_001406794.1, NM_001406792.1, NM_001406793.1); short protein forms S201R, S158R.
Identifiers: ClinVar variation 3432232 (VCV003432232.2).
Genomic context (GRCh38, chr10:43,102,605, plus strand): 5'-CCCCCAGGCACCTTCCACCAGTTCCGCCTGCTGCCTGTGCAGTTCTTGTGCCCCAACATC[A>C]GCGTGGCCTACAGGCTCCTGGAGGGTGAGTGCCGACCTTGTGGGGCCGCCCCACAGTGCC-3'
Protein context (NP_066124.1, residues 191-211): LPVQFLCPNI[Ser201Arg]VAYRLLEGEG